The following is an entry in ClinVar:

ClinVar aggregate classification (germline): Uncertain significance (1 of 4 stars; one submission).

Conditions:
Ectodermal dysplasia and immunodeficiency 2. Identifiers: Orphanet 238468, Orphanet 98813, MedGen C2677481, MONDO:0012806, OMIM 612132.

Allele frequency attached by ClinVar (database versions not stated): gnomAD exomes below 0.00001.
gnomAD v4.1: 1 of 1,614,214 alleles (0.000062%); highest among the groups gnomAD compares: South Asian, 0.0011%; no homozygotes.

Submission:

Labcorp Genetics (formerly Invitae), Labcorp
Classification: Uncertain significance for Ectodermal dysplasia and immunodeficiency 2. Last evaluated: 2022-03-19. Review status: criteria provided, single submitter. Criteria: Invitae Variant Classification Sherloc (09022015). Collection method: clinical testing. Allele origin: germline.
Comment: This sequence change replaces serine, which is neutral and polar, with glycine, which is neutral and non-polar, at codon 262 of the NFKBIA protein (p.Ser262Gly). This variant is not present in population databases (gnomAD no frequency). This variant has not been reported in the literature in individuals affected with NFKBIA-related conditions. Algorithms developed to predict the effect of missense changes on protein structure and function (SIFT, PolyPhen-2, Align-GVGD) all suggest that this variant is likely to be tolerated. Algorithms developed to predict the effect of sequence changes on RNA splicing suggest that this variant may create or strengthen a splice site. In summary, the available evidence is currently insufficient to determine the role of this variant in disease. Therefore, it has been classified as a Variant of Uncertain Significance.

NM_020529.3(NFKBIA):c.784A>G (p.Ser262Gly)

Gene: NFKBIA (NFKB inhibitor alpha; minus strand). Cytogenetic location: 14q13.2.
Variant type: single nucleotide variant.
Coding change: c.784A>G on transcript NM_020529.3 (MANE Select); coding-DNA position 784, A replaced by G.
Protein change: p.Ser262Gly; replaces serine 262 with glycine.
Molecular consequence: missense variant.
Genome position (GRCh38, 1-based): chr14:35,402,516, T>C on the plus strand (A>G on the coding strand, the complement: NFKBIA is on the minus strand). VCF-style: chr14-35402516-T-C. GRCh37 (hg19) VCF-style: chr14-35871722-T-C.
Other names: short protein forms S262G.
Identifiers: ClinVar variation 1473938 (VCV001473938.8), dbSNP rs2138830573, ClinGen allele CA389452107.
Genomic context (GRCh38, chr14:35,402,516, plus strand): 5'-CTGGCAGCATCTGAAGGTTTTCTAGTGTCAGCTGGCCCAGCTGCTGCTGTATCCGGGTGC[T>C]TGGGCGGCCCCAGGTGAGCTGGTAGGGAGAATAGCCCTGGTAGGTAACTCTGTTGACATC-3'
Protein context (NP_065390.1, residues 252-272): SPYQLTWGRP[Ser262Gly]TRIQQQLGQL